The following is an entry in ClinVar:

ClinVar aggregate classification (germline): Likely pathogenic (1 of 4 stars; one submission).

Conditions:
Treacher Collins syndrome 1 (TCS1). Also called: TCOF1-Related Treacher Collins Syndrome. Identifiers: Orphanet 861, MedGen CN315775, MONDO:0007944, OMIM 154500.

Submission:

3billion
Classification: Likely pathogenic for Treacher Collins syndrome 1. Last evaluated: 2022-09-01. Review status: criteria provided, single submitter. Criteria: ACMG Guidelines, 2015. Collection method: clinical testing. Allele origin: germline. Affected: yes. Observed: 1 heterozygote.
Comment: The variant is not observed in the gnomAD v2.1.1 dataset. Frameshift variant is predicted to result in a loss or disruption of normal protein function through nonsense-mediated decay (NMD) or protein truncation. Multiple pathogenic variants are reported downstream of the variant. Therefore, this variant is classified as Likely pathogenic according to the recommendation of ACMG/AMP guideline.

NM_001371623.1(TCOF1):c.551del (p.Ala184fs)

Gene: TCOF1 (treacle ribosome biogenesis factor 1; plus strand). Cytogenetic location: 5q32.
Variant type: Deletion.
Coding change: c.551del on transcript NM_001371623.1 (MANE Select); coding-DNA position 551, one base deleted (C; older notation c.551delC).
Protein change: p.Ala184fs; shifts the reading frame from alanine 184.
Molecular consequence: frameshift variant.
Genome position (GRCh38, 1-based): chr5:150,368,888, C deleted. VCF-style (leftmost placement, unchanged base first): chr5-150368887-GC-G. GRCh37 (hg19) VCF-style: chr5-149748450-GC-G.
Other names: c.551del, p.Ala184fs (NM_000356.4, NM_001008657.3, NM_001135243.2 and 3 more transcripts); short protein forms A184fs.
Identifiers: ClinVar variation 1705609 (VCV001705609.1), dbSNP rs2533085924, ClinGen allele CA2580073880.